The following is an entry in ClinVar:

NM_004397.6(DDX6):c.119A>G (p.Gln40Arg)

Gene: DDX6 (DEAD-box helicase 6; minus strand). Cytogenetic location: 11q23.3.
Variant type: single nucleotide variant.
Coding change: c.119A>G on transcript NM_004397.6 (MANE Select); coding-DNA position 119, A replaced by G.
Protein change: p.Gln40Arg; replaces glutamine 40 with arginine.
Molecular consequence: missense variant. On other transcripts: intron variant (1).
Genome position (GRCh38, 1-based): chr11:118,786,133, T>C on the plus strand (A>G on the coding strand, the complement: DDX6 is on the minus strand). VCF-style: chr11-118786133-T-C. GRCh37 (hg19) VCF-style: chr11-118656842-T-C.
Other names: c.119A>G, p.Gln40Arg (NM_001257191.3, NM_001425145.1, NM_001425146.1 and 7 more transcripts); c.-124-4949A>G (NM_001425154.1); short protein forms Q40R.
Identifiers: ClinVar variation 5002879 (VCV005002879.1).
Genomic context (GRCh38, chr11:118,786,133, plus strand): 5'-TGTGCTTGCTGCTGAGTGCCATTATTGATTGTGTTGGTGTTTTTCAGCTGGTTCATCTGT[T>C]GCTGTGTCTGTGTGCCCCCTCCTCCAGGGCCACCAGTGGGTTTCACAGGGCCTCTCAGCT-3'
Protein context (NP_004388.2, residues 30-50): GPGGGGTQTQ[Gln40Arg]QMNQLKNTNT

ClinVar aggregate classification (germline): Uncertain significance (1 of 4 stars; one submission).

Conditions:
Intellectual developmental disorder with impaired language and dysmorphic facies. Identifiers: MedGen C5231444, MONDO:0032851, OMIM 618653.

gnomAD v4.1: 1 of 1,614,004 alleles (0.000062%); highest among the groups gnomAD compares: Non-Finnish European, 0.000085%; no homozygotes.

Submission:

OLLIN Analises Genomicas, OLLIN
Classification: Uncertain significance for Intellectual developmental disorder with impaired language and dysmorphic facies. Last evaluated: 2026-08-06. Review status: criteria provided, single submitter. Criteria: ACMG Guidelines 2015 PMID 25741868. Collection method: clinical testing. Allele origin: germline. Inheritance: Autosomal dominant inheritance.
Comment: This missense variant, located in exon 2 (of 14), has been observed in gnomAD with an allele frequency of 0.000062%, but has not been reported in ClinVar or identified in the literature. In silico analysis predicts that this variant has a tolerated effect. According to the currently available evidence, this variant has been classified as uncertain significance (PM2_P, BP4_M).